The following is an entry in ClinVar:

NM_001177693.2(ARHGEF28):c.4307A>G (p.Glu1436Gly)

Gene: ARHGEF28 (Rho guanine nucleotide exchange factor 28; plus strand). Cytogenetic location: 5q13.2.
Variant type: single nucleotide variant.
Coding change: c.4307A>G on transcript NM_001177693.2 (MANE Select); coding-DNA position 4307, A replaced by G.
Protein change: p.Glu1436Gly; replaces glutamic acid 1436 with glycine.
Molecular consequence: missense variant.
Genome position (GRCh38, 1-based): chr5:73,909,557, A>G. VCF-style: chr5-73909557-A-G. GRCh37 (hg19) VCF-style: chr5-73205382-A-G.
Other names: c.4307A>G, p.Glu1436Gly (NM_001080479.3, NM_001388078.1); c.3368A>G, p.Glu1123Gly (NM_001244364.2); c.4013A>G, p.Glu1338Gly (NM_001388076.1); short protein forms E1123G, E1338G, E1436G.
Identifiers: ClinVar variation 3043720 (VCV003043720.2), dbSNP rs200976886, ClinGen allele CA3305341.

ClinVar aggregate classification (germline): Likely benign (0 of 4 stars; one submission).

Conditions:
ARHGEF28-related disorder. Also called: ARHGEF28-related condition.

Allele frequency attached by ClinVar (database versions not stated): ESP Exome Variant Server 0.00032; gnomAD 0.00083; TOPMed 0.00090; ExAC 0.00104; 1000 Genomes Project 0.00120; 1000 Genomes Project 30x 0.00125.
gnomAD v4.1: 1,919 of 1,575,778 alleles (0.12%); highest among the groups gnomAD compares: Admixed American, 0.18%; 1 homozygote.

Submission:

PreventionGenetics, part of Exact Sciences
Classification: Likely benign for ARHGEF28-related condition. Last evaluated: 2022-05-27. Review status: no assertion criteria provided. Collection method: clinical testing. Allele origin: germline.
Comment: This variant is classified as likely benign based on ACMG/AMP sequence variant interpretation guidelines (Richards et al. 2015 PMID: 25741868, with internal and published modifications).